The following is an entry in ClinVar:

NM_153676.4(USH1C):c.2360G>C (p.Arg787Pro)

Gene: USH1C (USH1 protein network component harmonin; minus strand). Cytogenetic location: 11p15.1.
Variant type: single nucleotide variant.
Coding change: c.2360G>C on transcript NM_153676.4 (MANE Select); coding-DNA position 2360, G replaced by C.
Protein change: p.Arg787Pro; replaces arginine 787 with proline.
Molecular consequence: missense variant. On other transcripts: non-coding transcript variant (1).
Genome position (GRCh38, 1-based): chr11:17,501,071, C>G on the plus strand (G>C on the coding strand, the complement: USH1C is on the minus strand). VCF-style: chr11-17501071-C-G. GRCh37 (hg19) VCF-style: chr11-17522618-C-G.
Other names: c.1403G>C, p.Arg468Pro (NM_001297764.2); c.1460G>C, p.Arg487Pro (NM_005709.4); c.1460G>C (NM_005709.3); short protein forms R468P, R487P, R787P.
Identifiers: ClinVar variation 1018143 (VCV001018143.7), dbSNP rs747189986, ClinGen allele CA379802945.
Genomic context (GRCh38, chr11:17,501,071, plus strand): 5'-GTATCATCCCCAAACCTGGGTGTGGCTAGTCTCCACTCACCATGCCGCTCAGCAGCTCCC[C>G]GCTCATACACAGCAGAAACGACCACCTTCCCAATGGGGGAGTCCACACCGCCTTCCAGGG-3'
Protein context (NP_710142.1, residues 777-797): GKVVVSAVYE[Arg787Pro]GAAERHGGIV

ClinVar aggregate classification (germline): Uncertain significance. Review status: criteria provided, multiple submitters, no conflicts (2 of 4 stars). 2 submissions from 2 submitters: Uncertain significance (2). Last evaluated 2025-09-01.

Conditions:
Inborn genetic diseases. Identifiers: MedGen C0950123, MeSH D030342.

Allele frequency attached by ClinVar (database versions not stated): gnomAD 0.00001; TOPMed 0.00001.
gnomAD v4.1: 3 of 1,613,778 alleles (0.00019%); highest among the groups gnomAD compares: East Asian, 0.0022%; no homozygotes.

Submissions (2):

Ambry Genetics
Classification: Uncertain significance for Inborn genetic diseases. Last evaluated: 2025-09-01. Review status: criteria provided, single submitter. Criteria: Ambry Variant Classification Scheme 2023. Collection method: clinical testing. Allele origin: germline.

Labcorp Genetics (formerly Invitae), Labcorp
Classification: Uncertain significance. Last evaluated: 2022-10-17. Review status: criteria provided, single submitter. Criteria: Invitae Variant Classification Sherloc (09022015). Collection method: clinical testing. Allele origin: germline.
Comment: This sequence change replaces arginine, which is basic and polar, with proline, which is neutral and non-polar, at codon 487 of the USH1C protein (p.Arg487Pro). This variant is not present in population databases (gnomAD no frequency). This variant has not been reported in the literature in individuals affected with USH1C-related conditions. ClinVar contains an entry for this variant (Variation ID: 1018143). Algorithms developed to predict the effect of missense changes on protein structure and function (SIFT, PolyPhen-2, Align-GVGD) all suggest that this variant is likely to be tolerated. In summary, the available evidence is currently insufficient to determine the role of this variant in disease. Therefore, it has been classified as a Variant of Uncertain Significance.